The following is an entry in ClinVar:

NM_001164508.2(NEB):c.24636_24637insC (p.Glu8213fs)

Genes: NEB (nebulin; minus strand), RIF1 (replication timing regulatory factor 1; plus strand). Cytogenetic location: 2q23.3.
Variant type: Insertion.
Coding change: c.24636_24637insC on transcript NM_001164508.2 (MANE Select); coding-DNA positions 24636 to 24637, C inserted.
Protein change: p.Glu8213fs; shifts the reading frame from glutamic acid 8213.
Molecular consequence: frameshift variant.
Genome position: GRCh38 VCF-style: chr2-151493810-C-CG. GRCh37 (hg19) VCF-style: chr2-152350324-C-CG.
Other names: c.24741_24742insC, p.Glu8248fs (NM_001271208.2); c.19068_19069insC, p.Glu6357fs (NM_004543.5); c.24636_24637insC, p.Glu8213fs (NM_001164507.2); short protein forms E6357fs, E8213fs, E8248fs.
Identifiers: ClinVar variation 5014095 (VCV005014095.1).

ClinVar aggregate classification (germline): Pathogenic (1 of 4 stars; one submission).

Conditions:
Nemaline myopathy 2 (NEM2). Also called: Nemaline myopathy 2, autosomal recessive. Identifiers: MedGen C1850569, MONDO:0009725, OMIM 256030.

Submission:

Myriad Genetics, Inc.
Classification: Pathogenic for Nemaline myopathy 2. Last evaluated: 2025-02-13. Review status: criteria provided, single submitter. Criteria: Myriad Autosomal Dominant, Autosomal Recessive and X-Linked Classification Criteria (2023). Collection method: clinical testing. Allele origin: unknown.
Comment: NM_001271208.1(NEB):c.24741_24742insC(E8248Rfs*11) is expected to be pathogenic in the context of NEB-related nemaline myopathy. This variant is predicted to lead to an abnormal or absent protein product due to the creation of a premature termination codon in NEB, a gene where loss-of-function variants are known to be pathogenic. Please note: this variant was assessed in the context of healthy population screening.